The following is an entry in ClinVar:

NM_001267550.2(TTN):c.90711C>T (p.Ile30237=)

Genes: TTN (titin; minus strand), TTN-AS1 (TTN antisense RNA 1; plus strand). Cytogenetic location: 2q31.2.
Variant type: single nucleotide variant.
Coding change: c.90711C>T on transcript NM_001267550.2 (MANE Select); coding-DNA position 90711, C replaced by T.
Protein change: p.Ile30237=; no amino-acid change (isoleucine 30237 retained).
Molecular consequence: synonymous variant.
Genome position (GRCh38, 1-based): chr2:178,552,189, G>A on the plus strand (C>T on the coding strand, the complement: TTN is on the minus strand). VCF-style: chr2-178552189-G-A. GRCh37 (hg19) VCF-style: chr2-179416916-G-A.
Other names: c.85788C>T, p.Ile28596= (NM_001256850.1); c.63516C>T, p.Ile21172= (NM_003319.4); c.83007C>T, p.Ile27669= (NM_133378.4); c.63891C>T, p.Ile21297= (NM_133432.3); c.64092C>T, p.Ile21364= (NM_133437.4).
Identifiers: ClinVar variation 517881 (VCV000517881.1), dbSNP rs1553539359, ClinGen allele CA430245392.

ClinVar aggregate classification (germline): Likely benign (1 of 4 stars; one submission).

Submission:

GeneDx
Classification: Likely benign. Last evaluated: 2017-05-17. Review status: criteria provided, single submitter. Criteria: GeneDx Variant Classification (06012015). Collection method: clinical testing. Allele origin: germline. Affected: yes.
Comment: This variant is considered likely benign or benign based on one or more of the following criteria: it is a conservative change, it occurs at a poorly conserved position in the protein, it is predicted to be benign by multiple in silico algorithms, and/or has population frequency not consistent with disease.